The following is an entry in ClinVar:

ClinVar aggregate classification (germline): Uncertain significance (1 of 4 stars; one submission).

Conditions:
Atrioventricular septal defect 4 (AVSD4). Identifiers: MedGen C3280781, MONDO:0013747, OMIM 614430.

gnomAD v4.1: 3 of 1,580,642 alleles (0.00019%); highest among the groups gnomAD compares: African/African-American, 0.004%; no homozygotes.

Submission:

Labcorp Genetics (formerly Invitae), Labcorp
Classification: Uncertain significance for Atrioventricular septal defect 4. Last evaluated: 2025-01-27. Review status: criteria provided, single submitter. Criteria: Invitae Variant Classification Sherloc (09022015). Collection method: clinical testing. Allele origin: germline.
Comment: This sequence change replaces glycine, which is neutral and non-polar, with cysteine, which is neutral and slightly polar, at codon 16 of the GATA4 protein (p.Gly16Cys). The frequency data for this variant in the population databases is considered unreliable, as metrics indicate poor data quality at this position in the gnomAD database. This missense change has been observed in individual(s) with atrial fibrillation (PMID: 21874226). Invitae Evidence Modeling of protein sequence and biophysical properties (such as structural, functional, and spatial information, amino acid conservation, physicochemical variation, residue mobility, and thermodynamic stability) has been performed for this missense variant. However, the output from this modeling did not meet the statistical confidence thresholds required to predict the impact of this variant on GATA4 protein function. Experimental studies have shown that this missense change affects GATA4 function (PMID: 21874226). In summary, the available evidence is currently insufficient to determine the role of this variant in disease. Therefore, it has been classified as a Variant of Uncertain Significance.

Literature cited by the submitters: PubMed 21874226.

NM_001308093.3(GATA4):c.46G>T (p.Gly16Cys)

Gene: GATA4 (GATA binding protein 4). Cytogenetic location: 8p23.1.
Variant type: single nucleotide variant.
Coding change: c.46G>T on transcript NM_001308093.3 (MANE Select); coding-DNA position 46, G replaced by T.
Protein change: p.Gly16Cys; replaces glycine 16 with cysteine.
Molecular consequence: missense variant. On other transcripts: intron variant (3).
Genome position (GRCh38, 1-based): chr8:11,708,358, G>T. VCF-style: chr8-11708358-G-T. GRCh37 (hg19) VCF-style: chr8-11565867-G-T.
Other names: c.46G>T, p.Gly16Cys (NM_002052.5); c.-6+7580G>T (NM_001308094.2); c.-3+344G>T (NM_001374274.1); c.-3+4054G>T (NM_001374273.1); short protein forms G16C.
Identifiers: ClinVar variation 3686376 (VCV003686376.2).